The following is an entry in ClinVar:

NM_000260.4(MYO7A):c.1348G>T (p.Glu450Ter)

Gene: MYO7A (myosin VIIA; plus strand). Cytogenetic location: 11q13.5.
Variant type: single nucleotide variant.
Coding change: c.1348G>T on transcript NM_000260.4 (MANE Select); coding-DNA position 1348, G replaced by T.
Protein change: p.Glu450Ter; replaces glutamic acid 450 with a stop codon.
Molecular consequence: nonsense.
Genome position (GRCh38, 1-based): chr11:77,162,124, G>T. VCF-style: chr11-77162124-G-T. GRCh37 (hg19) VCF-style: chr11-76873170-G-T.
Other names: c.1348G>T, p.Glu450Ter (NM_001127180.2); c.1315G>T, p.Glu439Ter (NM_001369365.1); short protein forms E439*, E450*.
Identifiers: ClinVar variation 1726934 (VCV001726934.2), dbSNP rs1269622956, ClinGen allele CA381935197.

ClinVar aggregate classification (germline): Likely pathogenic (1 of 4 stars; one submission).

Conditions:
Usher syndrome type 1 (USH1). Also called: RETINITIS PIGMENTOSA AND CONGENITAL DEAFNESS. Identifiers: Orphanet 231169, Orphanet 886, MedGen C1568247, MONDO:0010168, OMIM 276900.

Submission:

Myriad Genetics, Inc.
Classification: Likely pathogenic for Usher syndrome type 1. Last evaluated: 2022-02-11. Review status: criteria provided, single submitter. Criteria: Myriad Women's Health Autosomal Recessive and X-Linked Classification Criteria (2021). Collection method: clinical testing. Allele origin: unknown.
Comment: NM_000260.3(MYO7A):c.1348G>T(E450*) is expected to be pathogenic in the context of MYO7A-related disorders. This variant is predicted to lead to an abnormal or absent protein product due to the creation of a premature termination codon in MYO7A, a gene where loss-of-function variants are known to be pathogenic. Please note: this variant was assessed in the context of healthy population screening.